The following is an entry in ClinVar:

ClinVar aggregate classification (germline): Uncertain significance (1 of 4 stars; one submission).

gnomAD v4.1: 6 of 1,483,966 alleles (0.0004%); highest among the groups gnomAD compares: Non-Finnish European, 0.00054%; no homozygotes.

Submission:

Labcorp Genetics (formerly Invitae), Labcorp
Classification: Uncertain significance. Last evaluated: 2026-01-20. Review status: criteria provided, single submitter. Criteria: Invitae Variant Classification Sherloc (09022015). Collection method: clinical testing. Allele origin: germline.
Comment: This sequence change replaces isoleucine, which is neutral and non-polar, with valine, which is neutral and non-polar, at codon 299 of the ERBIN protein (p.Ile299Val). This variant is not present in population databases (gnomAD no frequency). This variant has not been reported in the literature in individuals affected with ERBIN-related conditions. ClinVar contains an entry for this variant (Variation ID: 3623044). An algorithm developed to predict the effect of missense changes on protein structure and function outputs the following: PolyPhen-2: "Benign". The valine amino acid residue is found in multiple mammalian species, which suggests that this missense change does not adversely affect protein function. In summary, the available evidence is currently insufficient to determine the role of this variant in disease. Therefore, it has been classified as a Variant of Uncertain Significance.

NM_001253697.2(ERBIN):c.895A>G (p.Ile299Val)

Gene: ERBIN (erbb2 interacting protein; plus strand). Cytogenetic location: 5q12.3.
Variant type: single nucleotide variant.
Coding change: c.895A>G on transcript NM_001253697.2 (MANE Select); coding-DNA position 895, A replaced by G.
Protein change: p.Ile299Val; replaces isoleucine 299 with valine.
Molecular consequence: missense variant.
Genome position (GRCh38, 1-based): chr5:66,025,852, A>G. VCF-style: chr5-66025852-A-G. GRCh37 (hg19) VCF-style: chr5-65321680-A-G.
Other names: c.895A>G, p.Ile299Val (NM_001006600.3, NM_001253698.2, NM_001253699.2 and 2 more transcripts); short protein forms I299V.
Identifiers: ClinVar variation 3623044 (VCV003623044.2).
Genomic context (GRCh38, chr5:66,025,852, plus strand): 5'-GATTATATATAGGAAATCTTTAACAAATAATATATATTTCTTTTTTTAAATTAAAGGTTA[A>G]TATCAGTAGAAGAACTGGATTGTAGTTTCAATGAAGTTGAAGCTTTGCCTTCATCTATTG-3'
Protein context (NP_001240626.1, residues 289-309): MYLPDSIGGL[Ile299Val]SVEELDCSFN